The following is an entry in ClinVar:

NM_006389.5(HYOU1):c.389A>G (p.Gln130Arg)

Gene: HYOU1 (hypoxia up-regulated 1; minus strand). Cytogenetic location: 11q23.3.
Variant type: single nucleotide variant.
Coding change: c.389A>G on transcript NM_006389.5 (MANE Select); coding-DNA position 389, A replaced by G.
Protein change: p.Gln130Arg; replaces glutamine 130 with arginine.
Molecular consequence: missense variant.
Genome position (GRCh38, 1-based): chr11:119,055,215, T>C on the plus strand (A>G on the coding strand, the complement: HYOU1 is on the minus strand). VCF-style: chr11-119055215-T-C. GRCh37 (hg19) VCF-style: chr11-118925927-T-C.
Other names: c.389A>G, p.Gln130Arg (NM_001130991.3); short protein forms Q130R.
Identifiers: ClinVar variation 1509362 (VCV001509362.6), dbSNP rs956137356, ClinGen allele CA229648874.

ClinVar aggregate classification (germline): Uncertain significance (1 of 4 stars; one submission).

Allele frequency attached by ClinVar (database versions not stated): gnomAD exomes 0.00001; TOPMed 0.00001.
gnomAD v4.1: 5 of 1,614,166 alleles (0.00031%); highest among the groups gnomAD compares: Admixed American, 0.005%; no homozygotes.

Submission:

Labcorp Genetics (formerly Invitae), Labcorp
Classification: Uncertain significance. Last evaluated: 2025-07-15. Review status: criteria provided, single submitter. Criteria: Invitae Variant Classification Sherloc (09022015). Collection method: clinical testing. Allele origin: germline.
Comment: This sequence change replaces glutamine, which is neutral and polar, with arginine, which is basic and polar, at codon 130 of the HYOU1 protein (p.Gln130Arg). This variant is present in population databases (no rsID available, gnomAD 0.009%). This variant has not been reported in the literature in individuals affected with HYOU1-related conditions. ClinVar contains an entry for this variant (Variation ID: 1509362). An algorithm developed to predict the effect of missense changes on protein structure and function (PolyPhen-2) suggests that this variant is likely to be tolerated. In summary, the available evidence is currently insufficient to determine the role of this variant in disease. Therefore, it has been classified as a Variant of Uncertain Significance.